The following is an entry in ClinVar:

ClinVar aggregate classification (germline): Uncertain significance (1 of 4 stars; one submission).

Submission:

Labcorp Genetics (formerly Invitae), Labcorp
Classification: Uncertain significance. Last evaluated: 2022-02-02. Review status: criteria provided, single submitter. Criteria: Invitae Variant Classification Sherloc (09022015). Collection method: clinical testing. Allele origin: germline.
Comment: This variant is not present in population databases (gnomAD no frequency). This sequence change replaces glycine, which is neutral and non-polar, with cysteine, which is neutral and slightly polar, at codon 8 of the TK2 protein (p.Gly8Cys). This variant has not been reported in the literature in individuals affected with TK2-related conditions. Advanced modeling of protein sequence and biophysical properties (such as structural, functional, and spatial information, amino acid conservation, physicochemical variation, residue mobility, and thermodynamic stability) performed at Invitae indicates that this missense variant is not expected to disrupt TK2 protein function. In summary, the available evidence is currently insufficient to determine the role of this variant in disease. Therefore, it has been classified as a Variant of Uncertain Significance.

NM_004614.5(TK2):c.22G>T (p.Gly8Cys)

Gene: TK2 (thymidine kinase 2; minus strand). Cytogenetic location: 16q21.
Variant type: single nucleotide variant.
Coding change: c.22G>T on transcript NM_004614.5 (MANE Select); coding-DNA position 22, G replaced by T.
Protein change: p.Gly8Cys; replaces glycine 8 with cysteine.
Molecular consequence: missense variant. On other transcripts: 5 prime UTR variant (2), non-coding transcript variant (1), intron variant (2).
Genome position (GRCh38, 1-based): chr16:66,550,040, C>A on the plus strand (G>T on the coding strand, the complement: TK2 is on the minus strand). VCF-style: chr16-66550040-C-A. GRCh37 (hg19) VCF-style: chr16-66583943-C-A.
Other names: c.22G>T, p.Gly8Cys (NM_001172644.2, NM_001172645.2); c.-221G>T (NM_001271934.2); c.-631G>T (NM_001272050.2); c.31+213G>T (NM_001271935.1, NM_001172643.1); short protein forms G8C.
Identifiers: ClinVar variation 1398371 (VCV001398371.8), dbSNP rs1239555126, ClinGen allele CA396194432.
Genomic context (GRCh38, chr16:66,550,040, plus strand): 5'-CTGAGGCCGGGCTCCCGCGACTTCCCGGCCCAAAGCAGCGCAGCGCCCGGGCGGCCCAGC[C>A]CCGCAGCGGCCACAGCAGCATAGCCGGGCGAGCGGATCCAGAGGCCCGGGGTTCCTTCTT-3'
Protein context (NP_004605.4, residues 1-18): MLLWPLR[Gly8Cys]WAARALRCFG